The following is an entry in ClinVar:

NM_017514.5(PLXNA3):c.1541G>A (p.Arg514Gln)

Gene: PLXNA3 (plexin A3; plus strand). Cytogenetic location: Xq28.
Variant type: single nucleotide variant.
Coding change: c.1541G>A on transcript NM_017514.5 (MANE Select); coding-DNA position 1541, G replaced by A.
Protein change: p.Arg514Gln; replaces arginine 514 with glutamine.
Molecular consequence: missense variant.
Genome position (GRCh38, 1-based): chrX:154,463,684, G>A. VCF-style: chrX-154463684-G-A. GRCh37 (hg19) VCF-style: chrX-153692027-G-A.
Other names: short protein forms R514Q.
Identifiers: ClinVar variation 4984152 (VCV004984152.1).

ClinVar aggregate classification (germline): Uncertain significance (1 of 4 stars; one submission).

Conditions:
PLXNA3-related disorder. Also called: PLXNA3-related condition.

gnomAD v4.1: 122 of 1,194,715 alleles (0.01%); highest among the groups gnomAD compares: South Asian, 0.04%; no homozygotes.

Submission:

PreventionGenetics, part of Exact Sciences
Classification: Uncertain significance for PLXNA3-related condition. Last evaluated: 2026-09-02. Review status: criteria provided, single submitter. Criteria: ACMG Guidelines, 2015. Collection method: clinical testing. Allele origin: germline.
Comment: The PLXNA3 c.1541G>A variant is predicted to result in the amino acid substitution p.Arg514Gln. To our knowledge, this variant has not been reported in the literature. This variant is reported in 0.041% of alleles in individuals of South Asian descent in gnomAD, including 9 hemizygotes, which may be too frequent to be a primary cause of disease. Although we suspect that this variant may be benign, at this time, the clinical significance of this variant is uncertain due to the absence of conclusive functional and genetic evidence.